The following is an entry in ClinVar:

NM_005360.5(MAF):c.1119-2A>G

Gene: MAF (MAF bZIP transcription factor; minus strand). Cytogenetic location: 16q23.2.
Variant type: single nucleotide variant.
Coding change: c.1119-2A>G on transcript NM_005360.5 (MANE Select); the canonical splice acceptor site of the intron before coding-DNA position 1119, A replaced by G.
Molecular consequence: splice acceptor variant. On other transcripts: 3 prime UTR variant (1).
Genome position (GRCh38, 1-based): chr16:79,594,555, T>C on the plus strand (A>G on the coding strand, the complement: MAF is on the minus strand). VCF-style: chr16-79594555-T-C. GRCh37 (hg19) VCF-style: chr16-79628452-T-C.
Other names: c.*4226A>G (NM_001031804.3).
Identifiers: ClinVar variation 2631560 (VCV002631560.1), dbSNP rs1027103137, ClinGen allele CA284123461.

ClinVar aggregate classification (germline): Uncertain significance (1 of 4 stars; one submission).

Conditions:
MAF-related disorder. Also called: MAF-related condition.

Allele frequency attached by ClinVar (database versions not stated): gnomAD exomes 0.00001.
gnomAD v4.1: 5 of 1,558,504 alleles (0.00032%); highest among the groups gnomAD compares: Non-Finnish European, 0.00044%; no homozygotes.

Submission:

PreventionGenetics, part of Exact Sciences
Classification: Uncertain significance for MAF-related condition. Last evaluated: 2022-10-09. Review status: criteria provided, single submitter. Criteria: ACMG Guidelines, 2015. Collection method: clinical testing. Allele origin: germline.
Comment: The MAF c.1119-2A>G variant is predicted to disrupt the AG splice acceptor site and interfere with normal splicing. To our knowledge, this variant has not been reported in the literature or in a large population database, indicating this variant is rare. gnomAD gene constraints suggest that the MAF gene is intolerant of loss of function (pLI = 0.74); however, loss of function loss of function variants, including splicing variants, have not been well documented in individuals with MAF-related disease (Human Gene Mutation Database). At this time, the clinical significance of this variant is uncertain due to the absence of conclusive functional and genetic evidence.